The following is an entry in ClinVar:

NM_000448.3(RAG1):c.1060C>A (p.Leu354Met)

Gene: RAG1 (recombination activating 1; plus strand). Cytogenetic location: 11p12.
Variant type: single nucleotide variant.
Coding change: c.1060C>A on transcript NM_000448.3 (MANE Select); coding-DNA position 1060, C replaced by A.
Protein change: p.Leu354Met; replaces leucine 354 with methionine.
Molecular consequence: missense variant.
Genome position (GRCh38, 1-based): chr11:36,574,364, C>A. VCF-style: chr11-36574364-C-A. GRCh37 (hg19) VCF-style: chr11-36595914-C-A.
Other names: c.1060C>A, p.Leu354Met (NM_001377277.1, NM_001377278.1, NM_001377279.1 and 1 more transcripts); short protein forms L354M.
Identifiers: ClinVar variation 469110 (VCV000469110.9), dbSNP rs753165042, ClinGen allele CA5950091.
Genomic context (GRCh38, chr11:36,574,364, plus strand): 5'-CCATGCTTCCCTACTGACCTGGAGAGTCCAGTGAAGTCCTTTCTGAGCGTCTTGAATTCC[C>A]TGATGGTGAAATGTCCAGCAAAAGAGTGCAATGAGGAGGTCAGTTTGGAAAAATATAATC-3'
Protein context (NP_000439.2, residues 344-364): VKSFLSVLNS[Leu354Met]MVKCPAKECN

ClinVar aggregate classification (germline): Uncertain significance. Review status: criteria provided, multiple submitters, no conflicts (2 of 4 stars). 3 submissions from 2 submitters: Uncertain significance (3). Last evaluated 2022-08-05.

Conditions:
Severe combined immunodeficiency, autosomal recessive, T cell-negative, B cell-negative, NK cell-positive. Also called: SCID, AR, T-cell negative, B-cell negative, NK cell-positive; SCID, T CELL-NEGATIVE, B CELL-NEGATIVE, NK CELL-POSITIVE; Severe combined immunodeficiency due to complete RAG1/2 deficiency. Identifiers: Orphanet 331206, MedGen C1832322, MONDO:0011086, OMIM 601457.
Combined immunodeficiency with skin granulomas. Identifiers: Orphanet 157949, MedGen C2673536, MONDO:0009306, OMIM 233650.
Histiocytic medullary reticulosis. Also called: SEVERE COMBINED IMMUNODEFICIENCY WITH HYPEREOSINOPHILIA; Omenn syndrome. Identifiers: Orphanet 39041, MedGen C2700553, MONDO:0011338, OMIM 603554.

Allele frequency attached by ClinVar (database versions not stated): ExAC 0.00001; gnomAD exomes 0.00001 and 0.00002; TOPMed 0.00004; gnomAD 0.00005 and 0.00006.
gnomAD v4.1: 21 of 1,614,112 alleles (0.0013%); highest among the groups gnomAD compares: Admixed American, 0.02%; no homozygotes.

Submissions (3):

Labcorp Genetics (formerly Invitae), Labcorp
Classification: Uncertain significance for Combined immunodeficiency with skin granulomas; Severe combined immunodeficiency, autosomal recessive, T cell-negative, B cell-negative, NK cell-positive. Last evaluated: 2022-08-05. Review status: criteria provided, single submitter. Criteria: Invitae Variant Classification Sherloc (09022015). Collection method: clinical testing. Allele origin: germline.
Comment: This sequence change replaces leucine, which is neutral and non-polar, with methionine, which is neutral and non-polar, at codon 354 of the RAG1 protein (p.Leu354Met). This variant is present in population databases (rs753165042, gnomAD 0.009%). This variant has not been reported in the literature in individuals affected with RAG1-related conditions. ClinVar contains an entry for this variant (Variation ID: 469110). Algorithms developed to predict the effect of missense changes on protein structure and function are either unavailable or do not agree on the potential impact of this missense change (SIFT: "Deleterious"; PolyPhen-2: "Probably Damaging"; Align-GVGD: "Class C0"). In summary, the available evidence is currently insufficient to determine the role of this variant in disease. Therefore, it has been classified as a Variant of Uncertain Significance.

Illumina Laboratory Services, Illumina
Classification: Uncertain significance for Severe combined immunodeficiency, autosomal recessive, T cell-negative, B cell-negative, NK cell-positive. Last evaluated: 2017-04-27. Review status: criteria provided, single submitter. Criteria: ICSL Variant Classification Criteria 13 December 2019. Collection method: clinical testing. Allele origin: germline.
Comment: This variant was observed as part of a predisposition screen in an ostensibly healthy population. A literature search was performed for the gene, cDNA change, and amino acid change (where applicable). Publications were found based on this search. However, the evidence from the literature, in combination with allele frequency data from public databases where available, was not sufficient to rule this variant in or out of causing disease. Therefore, this variant is classified as a variant of unknown significance.

Illumina Laboratory Services, Illumina
Classification: Uncertain significance for Histiocytic medullary reticulosis. Last evaluated: 2017-04-27. Review status: criteria provided, single submitter. Criteria: ICSL Variant Classification Criteria 13 December 2019. Collection method: clinical testing. Allele origin: germline.
Comment: the same text as in the submission from Illumina Laboratory Services, Illumina above.

Literature cited by the submitters: PubMed 11133745 (cited by Illumina Laboratory Services, Illumina).